The following is an entry in ClinVar:

NM_031475.3(ESPN):c.574G>A (p.Val192Met)

Gene: ESPN (espin; plus strand). Cytogenetic location: 1p36.31.
Variant type: single nucleotide variant.
Coding change: c.574G>A on transcript NM_031475.3 (MANE Select); coding-DNA position 574, G replaced by A.
Protein change: p.Val192Met; replaces valine 192 with methionine.
Molecular consequence: missense variant.
Genome position (GRCh38, 1-based): chr1:6,440,339, G>A. VCF-style: chr1-6440339-G-A. GRCh37 (hg19) VCF-style: chr1-6500399-G-A.
Other names: c.574G>A, p.Val192Met (NM_001367473.1, NM_001367474.1); short protein forms V192M.
Identifiers: ClinVar variation 2131735 (VCV002131735.4), dbSNP rs1173377390, ClinGen allele CA338089423.
Genomic context (GRCh38, chr1:6,440,339, plus strand): 5'-GGTGCCACGCCCCTGTACCTGGCGTGCCAGGAGGGCCACCTGGAGGTGACCCAGTACCTG[G>A]TGCAGGAATGCGGCGCAGACCCGCACGCGCGCGCCCACGACGGCATGACCCCGCTGCACG-3'
Protein context (NP_113663.2, residues 182-202): EGHLEVTQYL[Val192Met]QECGADPHAR

ClinVar aggregate classification (germline): Uncertain significance (1 of 4 stars; one submission).

Submission:

Labcorp Genetics (formerly Invitae), Labcorp
Classification: Uncertain significance. Last evaluated: 2022-07-27. Review status: criteria provided, single submitter. Criteria: Invitae Variant Classification Sherloc (09022015). Collection method: clinical testing. Allele origin: germline.
Comment: This sequence change replaces valine, which is neutral and non-polar, with methionine, which is neutral and non-polar, at codon 192 of the ESPN protein (p.Val192Met). This variant is not present in population databases (gnomAD no frequency). This variant has not been reported in the literature in individuals affected with ESPN-related conditions. Algorithms developed to predict the effect of missense changes on protein structure and function are either unavailable or do not agree on the potential impact of this missense change (SIFT: "Deleterious"; PolyPhen-2: "Possibly Damaging"; Align-GVGD: "Class C0"). In summary, the available evidence is currently insufficient to determine the role of this variant in disease. Therefore, it has been classified as a Variant of Uncertain Significance.